The following is an entry in ClinVar:

NM_000127.3(EXT1):c.1064_1065delinsAT (p.Cys355Tyr)

Gene: EXT1 (exostosin glycosyltransferase 1; minus strand). Cytogenetic location: 8q24.11.
Variant type: Indel.
Coding change: c.1064_1065delinsAT on transcript NM_000127.3 (MANE Select); coding-DNA positions 1064 to 1065, GC replaced by AT.
Protein change: p.Cys355Tyr; replaces cysteine 355 with tyrosine.
Molecular consequence: missense variant.
Genome position (GRCh38, 1-based): chr8:117,835,543-117,835,544, GC replaced by AT on the plus strand (GC replaced by AT on the coding strand, the reverse complement: EXT1 is on the minus strand). VCF-style: chr8-117835543-GC-AT. GRCh37 (hg19) VCF-style: chr8-118847782-GC-AT.
Other names: short protein forms C355Y.
Identifiers: ClinVar variation 2841282 (VCV002841282.3), dbSNP rs2488132966, ClinGen allele CA2739268962.
Genomic context (GRCh38, chr8:117,835,543, plus strand): 5'-GTTCCAATTAATCACTTCAGAGAATGGCAACTCCCATCCATTGCTGAGCATCACAGGGAC[GC>AT]AGGCAGCCTGAGCAAAAAAGGGGACTTCGTGAATGTGAGGAAAGCGACAGCAGAAGCTGT-3'
Protein context (NP_000118.2, residues 345-365): FRFLEALQAA[Cys355Tyr]VPVMLSNGWE

ClinVar aggregate classification (germline): Likely pathogenic (1 of 4 stars; one submission).

Conditions:
Multiple congenital exostosis (EXT). Also called: Hereditary multiple osteochondromas; MULTIPLE CARTILAGINOUS EXOSTOSES; Multiple exostoses; Hereditary multiple exostoses; Hereditary multiple exostosis; Multiple osteochondromas. Identifiers: Orphanet 321, MedGen C0015306, MONDO:0005508, HP:0002762.

Submission:

Labcorp Genetics (formerly Invitae), Labcorp
Classification: Likely pathogenic for Multiple congenital exostosis. Last evaluated: 2023-02-27. Review status: criteria provided, single submitter. Criteria: Invitae Variant Classification Sherloc (09022015). Collection method: clinical testing. Allele origin: germline.
Comment: In summary, the currently available evidence indicates that the variant is pathogenic, but additional data are needed to prove that conclusively. Therefore, this variant has been classified as Likely Pathogenic. An algorithm developed to predict the effect of missense changes on protein structure and function (PolyPhen-2) suggests that this variant is likely to be disruptive. This variant disrupts the p.Cys355 amino acid residue in EXT1. Other variant(s) that disrupt this residue have been determined to be pathogenic (PMID: 17301954, 26961984, 33414810). This suggests that this residue is clinically significant, and that variants that disrupt this residue are likely to be disease-causing. This sequence change replaces cysteine, which is neutral and slightly polar, with tyrosine, which is neutral and polar, at codon 355 of the EXT1 protein (p.Cys355Tyr). Information on the frequency of this variant in the gnomAD database is not available, as this variant may be reported differently in the database. This missense change has been observed in individual(s) with EXT1-related conditions (PMID: 26961984; Invitae).

Literature cited by the submitters: PubMed 17301954; PubMed 26961984; PubMed 33414810.